The following is an entry in ClinVar:

ClinVar aggregate classification (germline): Uncertain significance (1 of 4 stars; one submission).

Allele frequency attached by ClinVar (database versions not stated): gnomAD exomes below 0.00001; ExAC 0.00001; gnomAD 0.00001; TOPMed 0.00002; ESP Exome Variant Server 0.00008.

Submission:

Labcorp Genetics (formerly Invitae), Labcorp
Classification: Uncertain significance. Last evaluated: 2022-01-16. Review status: criteria provided, single submitter. Criteria: Invitae Variant Classification Sherloc (09022015). Collection method: clinical testing. Allele origin: germline.
Comment: This sequence change replaces methionine, which is neutral and non-polar, with valine, which is neutral and non-polar, at codon 157 of the DNAH9 protein (p.Met157Val). This variant is present in population databases (rs137942596, gnomAD 0.0009%). This variant has not been reported in the literature in individuals affected with DNAH9-related conditions. Algorithms developed to predict the effect of missense changes on protein structure and function output the following: SIFT: "Tolerated"; PolyPhen-2: "Benign"; Align-GVGD: "Class C0". The valine amino acid residue is found in multiple mammalian species, which suggests that this missense change does not adversely affect protein function. In summary, the available evidence is currently insufficient to determine the role of this variant in disease. Therefore, it has been classified as a Variant of Uncertain Significance.

NM_001372.4(DNAH9):c.469A>G (p.Met157Val)

Gene: DNAH9 (dynein axonemal heavy chain 9; plus strand). Cytogenetic location: 17p12.
Variant type: single nucleotide variant.
Coding change: c.469A>G on transcript NM_001372.4 (MANE Select); coding-DNA position 469, A replaced by G.
Protein change: p.Met157Val; replaces methionine 157 with valine.
Molecular consequence: missense variant.
Genome position (GRCh38, 1-based): chr17:11,608,180, A>G. VCF-style: chr17-11608180-A-G. GRCh37 (hg19) VCF-style: chr17-11511497-A-G.
Other names: short protein forms M157V.
Identifiers: ClinVar variation 1957260 (VCV001957260.2), dbSNP rs137942596, ClinGen allele CA8394544.